The following is an entry in ClinVar:

ClinVar aggregate classification (germline): Uncertain significance (1 of 4 stars; one submission).

Allele frequency attached by ClinVar (database versions not stated): gnomAD exomes 0.00001; ExAC 0.00002; gnomAD 0.00002; TOPMed 0.00003; ESP Exome Variant Server 0.00008.

Submission:

Labcorp Genetics (formerly Invitae), Labcorp
Classification: Uncertain significance. Last evaluated: 2024-07-04. Review status: criteria provided, single submitter. Criteria: Invitae Variant Classification Sherloc (09022015). Collection method: clinical testing. Allele origin: germline.
Comment: This sequence change replaces arginine, which is basic and polar, with tryptophan, which is neutral and slightly polar, at codon 433 of the ACAD9 protein (p.Arg433Trp). This variant is present in population databases (rs375282474, gnomAD 0.01%). This variant has not been reported in the literature in individuals affected with ACAD9-related conditions. ClinVar contains an entry for this variant (Variation ID: 2057712). Advanced modeling of protein sequence and biophysical properties (such as structural, functional, and spatial information, amino acid conservation, physicochemical variation, residue mobility, and thermodynamic stability) performed at Invitae indicates that this missense variant is expected to disrupt ACAD9 protein function with a positive predictive value of 80%. In summary, the available evidence is currently insufficient to determine the role of this variant in disease. Therefore, it has been classified as a Variant of Uncertain Significance.

NM_014049.5(ACAD9):c.1297C>T (p.Arg433Trp)

Gene: ACAD9 (acyl-CoA dehydrogenase family member 9; plus strand). Cytogenetic location: 3q21.3.
Variant type: single nucleotide variant.
Coding change: c.1297C>T on transcript NM_014049.5 (MANE Select); coding-DNA position 1297, C replaced by T.
Protein change: p.Arg433Trp; replaces arginine 433 with tryptophan.
Molecular consequence: missense variant. On other transcripts: non-coding transcript variant (1).
Genome position (GRCh38, 1-based): chr3:128,908,203, C>T. VCF-style: chr3-128908203-C-T. GRCh37 (hg19) VCF-style: chr3-128627046-C-T.
Other names: c.928C>T, p.Arg310Trp (NM_001410805.1); short protein forms R310W, R433W.
Identifiers: ClinVar variation 2057712 (VCV002057712.2), dbSNP rs375282474, ClinGen allele CA2601490.